The following is an entry in ClinVar:

ClinVar aggregate classification (germline): Pathogenic (1 of 4 stars; one submission).

Conditions:
Nemaline myopathy 2 (NEM2). Also called: Nemaline myopathy 2, autosomal recessive. Identifiers: MedGen C1850569, MONDO:0009725, OMIM 256030.

Submission:

Myriad Genetics, Inc.
Classification: Pathogenic for Nemaline myopathy 2. Last evaluated: 2024-06-23. Review status: criteria provided, single submitter. Criteria: Myriad Autosomal Dominant, Autosomal Recessive and X-Linked Classification Criteria (2023). Collection method: clinical testing. Allele origin: unknown.
Comment: NM_001271208.1(NEB):c.3810_3811delTA(H1270Qfs*7) is expected to be pathogenic in the context of NEB-related nemaline myopathy. This variant is predicted to lead to an abnormal or absent protein product due to the creation of a premature termination codon in NEB, a gene where loss-of-function variants are known to be pathogenic. Please note: this variant was assessed in the context of healthy population screening.

NM_001164508.2(NEB):c.3810_3811del (p.His1270fs)

Gene: NEB (nebulin; minus strand). Cytogenetic location: 2q23.3.
Variant type: Deletion.
Coding change: c.3810_3811del on transcript NM_001164508.2 (MANE Select); coding-DNA positions 3810 to 3811, 2 bases deleted (TA; older notation c.3810_3811delTA).
Protein change: p.His1270fs; shifts the reading frame from histidine 1270.
Molecular consequence: frameshift variant.
Genome position (GRCh38, 1-based): chr2:151,675,355-151,675,356, TA deleted on the plus strand (TA on the coding strand, the reverse complement: NEB is on the minus strand); deleting any 2 consecutive bases within chr2:151,675,355-151,675,357 gives the same sequence; the c. name uses the placement nearest the transcript's 3' end. VCF-style (leftmost placement, unchanged base first): chr2-151675354-TTA-T. GRCh37 (hg19) VCF-style: chr2-152531868-TTA-T.
Other names: c.3810_3811del, p.His1270fs (NM_001164507.2, NM_001271208.2, NM_004543.5); short protein forms H1270fs.
Identifiers: ClinVar variation 5013223 (VCV005013223.1).
Genomic context (GRCh38, chr2:151,675,354, plus strand): 5'-ATATTGTAAGCATTGCACTTGGCCTGGAGAAACTGAGGAAGATCAGGACTCATGGTGTAT[TTA>T]TGTTTCACATCTTCTCCTTTAGCCTTGTATAAGATCTGCAATAAAATGCATTTCACATAG-3'